The following is an entry in ClinVar:

NM_001267550.2(TTN):c.88183T>C (p.Phe29395Leu)

Genes: TTN (titin; minus strand), TTN-AS1 (TTN antisense RNA 1; plus strand). Cytogenetic location: 2q31.2.
Variant type: single nucleotide variant.
Coding change: c.88183T>C on transcript NM_001267550.2 (MANE Select); coding-DNA position 88183, T replaced by C.
Protein change: p.Phe29395Leu; replaces phenylalanine 29395 with leucine.
Molecular consequence: missense variant.
Genome position (GRCh38, 1-based): chr2:178,556,971, A>G on the plus strand (T>C on the coding strand, the complement: TTN is on the minus strand). VCF-style: chr2-178556971-A-G. GRCh37 (hg19) VCF-style: chr2-179421698-A-G.
Other names: p.F27754L:TTC>CTC; c.83260T>C, p.Phe27754Leu (NM_001256850.1); c.80479T>C, p.Phe26827Leu (NM_133378.4); c.60988T>C, p.Phe20330Leu (NM_003319.4); c.61363T>C, p.Phe20455Leu (NM_133432.3); c.61564T>C, p.Phe20522Leu (NM_133437.4); short protein forms F29395L, F26827L, F27754L, F20330L, F20522L, F20455L.
Identifiers: ClinVar variation 47474 (VCV000047474.20), dbSNP rs55940667, ClinGen allele CA141123.

ClinVar aggregate classification (germline): Conflicting classifications of pathogenicity. Review status: criteria provided, conflicting classifications (1 of 4 stars). 6 submissions from 6 submitters: Uncertain significance (4); Likely benign (2). Last evaluated 2026-06-30.

Conditions:
TTN-related disorder. Also called: TTN-related condition; TTN-related disease; TTN-related disorders.
Cardiovascular phenotype. Identifiers: MedGen CN230736.
Autosomal recessive limb-girdle muscular dystrophy type 2J (LGMDR10). Also called: Limb-girdle muscular dystrophy, type 2J; MUSCULAR DYSTROPHY, LIMB-GIRDLE, AUTOSOMAL RECESSIVE 10. Identifiers: Orphanet 140922, MedGen C1837342, MONDO:0012127, OMIM 608807.
Dilated cardiomyopathy 1G (CMD1G). Identifiers: Orphanet 154, MedGen C1858763, MONDO:0011400, OMIM 604145.

Allele frequency attached by ClinVar (database versions not stated): gnomAD exomes 0.00003 and 0.00013; TOPMed 0.00007; gnomAD 0.00008 and 0.00010; ExAC 0.00013; 1000 Genomes Project 30x 0.00031; 1000 Genomes Project 0.00040.
gnomAD v4.1: 59 of 1,613,824 alleles (0.0037%); highest among the groups gnomAD compares: East Asian, 0.1%; no homozygotes.

Submissions (6):

PreventionGenetics, part of Exact Sciences
Classification: Likely benign for TTN-related condition. Last evaluated: 2026-06-30. Review status: criteria provided, single submitter. Criteria: ACMG Guidelines, 2015. Collection method: clinical testing. Allele origin: germline.
Comment: This variant is classified as likely benign based on ACMG/AMP sequence variant interpretation guidelines (Richards et al. 2015 PMID: 25741868, with internal and published modifications).

Labcorp Genetics (formerly Invitae), Labcorp
Classification: Likely benign for Dilated cardiomyopathy 1G; Autosomal recessive limb-girdle muscular dystrophy type 2J. Last evaluated: 2026-01-25. Review status: criteria provided, single submitter. Criteria: Invitae Variant Classification Sherloc (09022015). Collection method: clinical testing. Allele origin: germline.

GeneDx
Classification: Uncertain significance. Last evaluated: 2014-07-08. Review status: criteria provided, single submitter. Criteria: GeneDx Variant Classification (06012015). Collection method: clinical testing. Allele origin: germline. Affected: yes.
Comment: Missense variants in the TTN gene are considered 'unclassified' if they are not previously reported in the literature and do not have >1% frequency in the population to be considered a polymorphism. Research indicates that truncating mutations in the TTN gene are expected to account for approximately 25% of familial and 18% of sporadic idiopathic DCM; however, truncating variants in the TTN gene have been reported in approximately 3% of reported control alleles. There has been little investigation into non-truncating variants. (Herman D et al. Truncations of titin causing dilated cardiomyopathy. N Eng J Med 366:619-628, 2012) The variant is found in CARDIOMYOPATHY panel(s).

Ambry Genetics
Classification: Uncertain significance for Cardiovascular phenotype. Last evaluated: 2013-09-23. Review status: criteria provided, single submitter. Criteria: Ambry Autosomal Dominant and X-Linked criteria (10/2015). Collection method: clinical testing. Allele origin: germline. Observed: 1 variant allele.
Comment: The p.F26827L variant (also known as c.80479T>C) is located in coding exon 278 of the TTNgene. This alteration results from a T to C substitution at nucleotide position 80479. The phenylalanine at codon 26827 is replaced by leucine, an amino acid with highly similar properties.This variant was previously reported in the SNPDatabase as rs55940667. Based on data from the 1000 Genomes Project, the C-allele has an overall frequency of approximately 0.05% (1/2184). The highest observed frequency was 0.52% (1/194) Han Chinese chromosomes studied. This amino acid position is not conserved on sequence alignment. This variant is predicted to be benign by PolyPhen in silico analyses. Since supporting evidence is limited at this time, the clinical significance of p.F26827L remains unclear.

Biesecker Lab/Clinical Genomics Section, National Institutes of Health
Classification: Uncertain significance. Last evaluated: 2013-06-24. Review status: criteria provided, single submitter. Criteria: Ng et al. (Circ Cardiovasc Genet. 2013). Collection method: research. Allele origin: unknown. Observed: 1 variant allele. Study: ClinSeq.
Comment: The study set was not selected for affection status in relation to any cancer. Pathogenicity categories were based on literature curation. See Pubmed ID:23861362 for details.

Medical sequencing

Laboratory for Molecular Medicine, Mass General Brigham Personalized Medicine
Classification: Uncertain significance. Last evaluated: 2012-10-17. Review status: criteria provided, single submitter. Criteria: LMM Criteria. Collection method: clinical testing. Allele origin: germline. Observed: 1 variant allele.
Comment: Variant classified as Uncertain Significance - Favor Benign. The Phe26827Leu var iant in TTN has not been reported in the literature nor previously identified by our laboratory. It has been identified in 1/194 Han Chinese chromosomes from a broad population by the 1000 Genomes project (dbSNP rs55940667). Computational analyses (biochemical amino acid properties, conservation, AlignGVGD, PolyPhen2, and SIFT) do not provide strong support for or against an impact to the protein , though dolphin carries a leucine (Leu; this variant) despite high amino acid c onservation nearby, suggesting that this variant may be tolerated. This variant is more likely benign but at this time, additional information is needed to full y assess its clinical significance.